The following is an entry in ClinVar:

NM_020975.6(RET):c.2924A>T (p.Asn975Ile)

Gene: RET (ret proto-oncogene; plus strand). Cytogenetic location: 10q11.21.
Variant type: single nucleotide variant.
Coding change: c.2924A>T on transcript NM_020975.6 (MANE Select); coding-DNA position 2924, A replaced by T.
Protein change: p.Asn975Ile; replaces asparagine 975 with isoleucine.
Molecular consequence: missense variant.
Genome position (GRCh38, 1-based): chr10:43,123,793, A>T. VCF-style: chr10-43123793-A-T. GRCh37 (hg19) VCF-style: chr10-43619241-A-T.
Other names: c.2636A>T, p.Asn879Ile (NM_001406767.1, NM_001406770.1, NM_001406766.1); c.2660A>T, p.Asn887Ile (NM_001406768.1); c.2528A>T, p.Asn843Ile (NM_001406769.1, NM_001406772.1); c.2486A>T, p.Asn829Ile (NM_001406771.1, NM_001406773.1); c.2399A>T, p.Asn800Ile (NM_001406774.1); c.2198A>T, p.Asn733Ile (NM_001406775.1, NM_001406776.1, NM_001406777.1 and 1 more transcripts); c.1898A>T, p.Asn633Ile (NM_001406786.1, NM_001406783.1); c.1892A>T, p.Asn631Ile (NM_001406787.1); and 10 more; short protein forms N540I, N580I, N676I, N930I, N633I, N800I, N887I, N631I.
Identifiers: ClinVar variation 3648843 (VCV003648843.2).
Genomic context (GRCh38, chr10:43,123,793, plus strand): 5'-TTCCTCCTGAGCGGCTCTTCAACCTTCTGAAGACCGGCCACCGGATGGAGAGGCCAGACA[A>T]CTGCAGCGAGGAGATGTGAGCGGGGACTGGCTTTGGCCCAGCCTCACTTGGGAAGGGAGG-3'
Protein context (NP_066124.1, residues 965-985): KTGHRMERPD[Asn975Ile]CSEEMYRLML

ClinVar aggregate classification (germline): Uncertain significance (1 of 4 stars; one submission).

Conditions:
Multiple endocrine neoplasia, type 2 (MEN2). Identifiers: Orphanet 653, MedGen C4048306, MONDO:0019003. Disease mechanism: gain of function.

Submission:

Labcorp Genetics (formerly Invitae), Labcorp
Classification: Uncertain significance for Multiple endocrine neoplasia, type 2. Last evaluated: 2025-11-04. Review status: criteria provided, single submitter. Criteria: Invitae Variant Classification Sherloc (09022015). Collection method: clinical testing. Allele origin: germline.
Comment: This sequence change replaces asparagine, which is neutral and polar, with isoleucine, which is neutral and non-polar, at codon 975 of the RET protein (p.Asn975Ile). This variant is not present in population databases (gnomAD no frequency). This variant has not been reported in the literature in individuals affected with RET-related conditions. ClinVar contains an entry for this variant (Variation ID: 3648843). An algorithm developed to predict the effect of missense changes on protein structure and function (PolyPhen-2) suggests that this variant is likely to be disruptive. In summary, the available evidence is currently insufficient to determine the role of this variant in disease. Therefore, it has been classified as a Variant of Uncertain Significance.